The following is an entry in ClinVar:

ClinVar aggregate classification (germline): Likely pathogenic (1 of 4 stars; one submission).

Conditions:
Duchenne muscular dystrophy (DMD). Also called: MUSCULAR DYSTROPHY, PSEUDOHYPERTROPHIC PROGRESSIVE, DUCHENNE TYPE; Duchenne Muscular Dystrophy (DMD). Identifiers: Orphanet 98896, MedGen C0013264, MONDO:0010679, OMIM 310200.

Submission:

Labcorp Genetics (formerly Invitae), Labcorp
Classification: Likely pathogenic for Duchenne muscular dystrophy. Last evaluated: 2023-01-13. Review status: criteria provided, single submitter. Criteria: Invitae Variant Classification Sherloc (09022015). Collection method: clinical testing. Allele origin: germline.
Comment: This variant is not present in population databases (gnomAD no frequency). This variant results in the deletion of part of exon 32 (c.4345-1_4355) of the DMD gene. It is expected to disrupt RNA splicing. Variants that disrupt the donor or acceptor splice site typically lead to a loss of protein function (PMID: 16199547), and loss-of-function variants in DMD are known to be pathogenic (PMID: 16770791, 25007885). This variant has not been reported in the literature in individuals affected with DMD-related conditions. Algorithms developed to predict the effect of sequence changes on RNA splicing suggest that this variant may disrupt the consensus splice site. In summary, the currently available evidence indicates that the variant is pathogenic, but additional data are needed to prove that conclusively. Therefore, this variant has been classified as Likely Pathogenic.

Literature cited by the submitters: PubMed 16199547; PubMed 16770791; PubMed 25007885.

NM_004006.3(DMD):c.4345-1_4355del

Gene: DMD (dystrophin; minus strand). Cytogenetic location: Xp21.1.
Variant type: Deletion.
Coding change: c.4345-1_4355del on transcript NM_004006.3 (MANE Select); the canonical splice acceptor site of the intron before coding-DNA position 4345 through coding-DNA position 4355, 12 bases deleted (GAAAAAATTACA).
Molecular consequence: splice acceptor variant.
Genome position (GRCh38, 1-based): chrX:32,389,664-32,389,675, TGTAATTTTTTC deleted on the plus strand (GAAAAAATTACA on the coding strand, the reverse complement: DMD is on the minus strand); deleting any 12 consecutive bases within chrX:32,389,664-32,389,680 gives the same sequence; the c. name uses the placement nearest the transcript's 3' end. VCF-style (leftmost placement, unchanged base first): chrX-32389663-TTGTAATTTTTTC-T. GRCh37 (hg19) VCF-style: chrX-32407780-TTGTAATTTTTTC-T.
Other names: c.4321-1_4331del (NM_000109.4); c.322-1_332del (NM_004011.4); c.313-1_323del (NM_004012.4); c.4333-1_4343del (NM_004009.3); c.3976-1_3986del (NM_004010.3).
Identifiers: ClinVar variation 2828172 (VCV002828172.3), dbSNP rs2523119325, ClinGen allele CA2739273361.